The following is an entry in ClinVar:

ClinVar aggregate classification (germline): Uncertain significance. Review status: criteria provided, multiple submitters, no conflicts (2 of 4 stars). 2 submissions from 2 submitters: Uncertain significance (2). Last evaluated 2025-12-04.

Allele frequency attached by ClinVar (database versions not stated): TOPMed below 0.00001; gnomAD 0.00001; gnomAD exomes 0.00001.
gnomAD v4.1: 9 of 1,613,756 alleles (0.00056%); highest among the groups gnomAD compares: Non-Finnish European, 0.00076%; no homozygotes.

Submissions (2):

Women's Health and Genetics/Laboratory Corporation of America, LabCorp
Classification: Uncertain significance. Last evaluated: 2025-12-04. Review status: criteria provided, single submitter. Criteria: LabCorp Variant Classification Summary - May 2015. Collection method: clinical testing. Allele origin: germline.
Comment: Variant summary: SETD5 c.2772C>A (p.Asp924Glu) results in a conservative amino acid change in the encoded protein sequence. Algorithms developed to predict the effect of missense changes on protein structure and function are either unavailable or do not agree on the potential impact of this missense change. The variant allele was found at a frequency of 4e-06 in 249086 control chromosomes. The available data on variant occurrences in the general population are insufficient to allow any conclusion about variant significance. To our knowledge, no occurrence of c.2772C>A in individuals affected with SETD5-related conditions and no experimental evidence demonstrating its impact on protein function have been reported. ClinVar contains an entry for this variant (Variation ID: 2126691). Based on the evidence outlined above, the variant was classified as uncertain significance.

Labcorp Genetics (formerly Invitae), Labcorp
Classification: Uncertain significance. Last evaluated: 2022-04-16. Review status: criteria provided, single submitter. Criteria: Invitae Variant Classification Sherloc (09022015). Collection method: clinical testing. Allele origin: germline.
Comment: This sequence change replaces aspartic acid, which is acidic and polar, with glutamic acid, which is acidic and polar, at codon 924 of the SETD5 protein (p.Asp924Glu). This variant is present in population databases (no rsID available, gnomAD 0.002%). This variant has not been reported in the literature in individuals affected with SETD5-related conditions. Algorithms developed to predict the effect of missense changes on protein structure and function output the following: SIFT: "Tolerated"; PolyPhen-2: "Benign"; Align-GVGD: "Class C0". The glutamic acid amino acid residue is found in multiple mammalian species, which suggests that this missense change does not adversely affect protein function. In summary, the available evidence is currently insufficient to determine the role of this variant in disease. Therefore, it has been classified as a Variant of Uncertain Significance.

NM_001080517.3(SETD5):c.2772C>A (p.Asp924Glu)

Gene: SETD5 (SET domain containing 5; plus strand). Cytogenetic location: 3p25.3.
Variant type: single nucleotide variant.
Coding change: c.2772C>A on transcript NM_001080517.3 (MANE Select); coding-DNA position 2772, C replaced by A.
Protein change: p.Asp924Glu; replaces aspartic acid 924 with glutamic acid.
Molecular consequence: missense variant.
Genome position (GRCh38, 1-based): chr3:9,470,506, C>A. VCF-style: chr3-9470506-C-A. GRCh37 (hg19) VCF-style: chr3-9512190-C-A.
Other names: c.2478C>A, p.Asp826Glu (NM_001292043.2, NM_001349451.2); short protein forms D924E, D826E.
Identifiers: ClinVar variation 2126691 (VCV002126691.5), dbSNP rs1171308921, ClinGen allele CA351680107.